The following is an entry in ClinVar:

NM_002900.3(RBP3):c.2617G>A (p.Ala873Thr)

Gene: RBP3 (retinol binding protein 3; plus strand). Cytogenetic location: 10q11.22.
Variant type: single nucleotide variant.
Coding change: c.2617G>A on transcript NM_002900.3 (MANE Select); coding-DNA position 2617, G replaced by A.
Protein change: p.Ala873Thr; replaces alanine 873 with threonine.
Molecular consequence: missense variant.
Genome position (GRCh38, 1-based): chr10:47,351,101, G>A. VCF-style: chr10-47351101-G-A. GRCh37 (hg19) VCF-style: chr10-48388261-C-T.
Other names: short protein forms A873T.
Identifiers: ClinVar variation 1011908 (VCV001011908.8), dbSNP rs1555211501, ClinGen allele CA376673963.

ClinVar aggregate classification (germline): Uncertain significance (1 of 4 stars; one submission).

Submission:

Labcorp Genetics (formerly Invitae), Labcorp
Classification: Uncertain significance. Last evaluated: 2020-03-26. Review status: criteria provided, single submitter. Criteria: Invitae Variant Classification Sherloc (09022015). Collection method: clinical testing. Allele origin: germline.
Comment: This sequence change replaces alanine with threonine at codon 873 of the RBP3 protein (p.Ala873Thr). The alanine residue is moderately conserved and there is a small physicochemical difference between alanine and threonine. In summary, the available evidence is currently insufficient to determine the role of this variant in disease. Therefore, it has been classified as a Variant of Uncertain Significance. Algorithms developed to predict the effect of missense changes on protein structure and function are either unavailable or do not agree on the potential impact of this missense change (SIFT: "Deleterious"; PolyPhen-2: "Possibly Damaging"; Align-GVGD: "Class C0"). This variant has not been reported in the literature in individuals with RBP3-related conditions. This variant is not present in population databases (ExAC no frequency).